The following is an entry in ClinVar:

ClinVar aggregate classification (germline): Likely pathogenic (1 of 4 stars; one submission).

Conditions:
Autosomal recessive limb-girdle muscular dystrophy type 2A (LGMDR1). Also called: LEYDEN-MOEBIUS MUSCULAR DYSTROPHY; MUSCULAR DYSTROPHY, PELVOFEMORAL; Limb-girdle muscular dystrophy, type 2A; Calpainopathy; Muscular dystrophy, limb-girdle, type 2A, Amish. Identifiers: Orphanet 267, MedGen C1869123, MONDO:0009675, OMIM 253600. Disease mechanism: loss of function.

Submission:

Myriad Genetics, Inc.
Classification: Likely pathogenic for Autosomal recessive limb-girdle muscular dystrophy type 2A. Last evaluated: 2022-02-19. Review status: criteria provided, single submitter. Criteria: Myriad Women's Health Autosomal Recessive and X-Linked Classification Criteria (2021). Collection method: clinical testing. Allele origin: unknown.
Comment: NM_000070.2(CAPN3):c.2236G>T(E746*) is expected to be pathogenic in the context of calpainopathy. This variant is predicted to lead to an abnormal or absent protein product due to the creation of a premature termination codon in CAPN3, a gene where loss-of-function variants are known to be pathogenic. Please note: this variant was assessed in the context of healthy population screening.

NM_000070.3(CAPN3):c.2236G>T (p.Glu746Ter)

Gene: CAPN3 (calpain 3; plus strand). Cytogenetic location: 15q15.1.
Variant type: single nucleotide variant.
Coding change: c.2236G>T on transcript NM_000070.3 (MANE Select); coding-DNA position 2236, G replaced by T.
Protein change: p.Glu746Ter; replaces glutamic acid 746 with a stop codon.
Molecular consequence: nonsense.
Genome position (GRCh38, 1-based): chr15:42,410,639, G>T. VCF-style: chr15-42410639-G-T. GRCh37 (hg19) VCF-style: chr15-42702837-G-T.
Other names: c.2218G>T, p.Glu740Ter (NM_024344.2); c.1960G>T, p.Glu654Ter (NM_173087.2); c.700G>T, p.Glu234Ter (NM_173088.2); c.241G>T, p.Glu81Ter (NM_173089.2, NM_173090.2); c.*1334G>T (NM_212464.2); c.*1911G>T (NM_212467.2); short protein forms E234*, E654*, E740*, E746*, E81*.
Identifiers: ClinVar variation 1724533 (VCV001724533.2), dbSNP rs752155690, ClinGen allele CA392001882.